The following is an entry in ClinVar:

ClinVar aggregate classification (germline): Uncertain significance (1 of 4 stars; one submission).

Conditions:
Noonan syndrome 9 (NS9). Identifiers: Orphanet 648, MedGen C4225282, MONDO:0014691, OMIM 616559.

gnomAD v4.1: 1 of 1,614,124 alleles (0.000062%); highest among the groups gnomAD compares: Non-Finnish European, 0.000085%; no homozygotes.

Submission:

Labcorp Genetics (formerly Invitae), Labcorp
Classification: Uncertain significance for Noonan syndrome 9. Last evaluated: 2025-02-17. Review status: criteria provided, single submitter. Criteria: Invitae Variant Classification Sherloc (09022015). Collection method: clinical testing. Allele origin: germline.
Comment: This sequence change replaces glutamic acid, which is acidic and polar, with glutamine, which is neutral and polar, at codon 1062 of the SOS2 protein (p.Glu1062Gln). This variant is not present in population databases (gnomAD no frequency). This variant has not been reported in the literature in individuals affected with SOS2-related conditions. Invitae Evidence Modeling of protein sequence and biophysical properties (such as structural, functional, and spatial information, amino acid conservation, physicochemical variation, residue mobility, and thermodynamic stability) indicates that this missense variant is not expected to disrupt SOS2 protein function with a negative predictive value of 95%. In summary, the available evidence is currently insufficient to determine the role of this variant in disease. Therefore, it has been classified as a Variant of Uncertain Significance.

NM_006939.4(SOS2):c.3184G>C (p.Glu1062Gln)

Gene: SOS2 (SOS Ras/Rho guanine nucleotide exchange factor 2; minus strand). Cytogenetic location: 14q21.3.
Variant type: single nucleotide variant.
Coding change: c.3184G>C on transcript NM_006939.4 (MANE Select); coding-DNA position 3184, G replaced by C.
Protein change: p.Glu1062Gln; replaces glutamic acid 1062 with glutamine.
Molecular consequence: missense variant.
Genome position (GRCh38, 1-based): chr14:50,130,654, C>G on the plus strand (G>C on the coding strand, the complement: SOS2 is on the minus strand). VCF-style: chr14-50130654-C-G. GRCh37 (hg19) VCF-style: chr14-50597372-C-G.
Other names: c.3085G>C, p.Glu1029Gln (NM_001411020.1); short protein forms E1029Q, E1062Q.
Identifiers: ClinVar variation 3720774 (VCV003720774.2).